The following is an entry in ClinVar:

NM_001849.4(COL6A2):c.803G>A (p.Gly268Asp)

Gene: COL6A2 (collagen type VI alpha 2 chain; plus strand). Cytogenetic location: 21q22.3.
Variant type: single nucleotide variant.
Coding change: c.803G>A on transcript NM_001849.4 (MANE Select); coding-DNA position 803, G replaced by A.
Protein change: p.Gly268Asp; replaces glycine 268 with aspartic acid.
Molecular consequence: missense variant.
Genome position (GRCh38, 1-based): chr21:46,115,873, G>A. VCF-style: chr21-46115873-G-A. GRCh37 (hg19) VCF-style: chr21-47535787-G-A.
Other names: c.803G>A, p.Gly268Asp (NM_058174.3, NM_058175.3); short protein forms G268D.
Identifiers: ClinVar variation 56908 (VCV000056908.10), dbSNP rs397515333, ClinGen allele CA215992.

ClinVar aggregate classification (germline): Pathogenic/Likely pathogenic. Review status: criteria provided, multiple submitters, no conflicts (2 of 4 stars). 2 submissions from 2 submitters: Pathogenic (1); Likely pathogenic (1). Last evaluated 2019-10-15.

Submissions (2):

GeneDx
Classification: Pathogenic. Last evaluated: 2019-10-15. Review status: criteria provided, single submitter. Criteria: GeneDx Variant Classification Process June 2021. Collection method: clinical testing. Allele origin: germline. Affected: yes.
Comment: Has not been previously published as pathogenic or benign to our knowledge; Not observed in large population cohorts (Lek et al., 2016); Occurs within a Gly in the Gly-X-Y motif in the triple helical (TH) domain of collagen VI, a region that is well-conserved across species.; In silico analysis, which includes protein predictors and evolutionary conservation, supports a deleterious effect

Eurofins Ntd Llc (ga)
Classification: Likely pathogenic. Last evaluated: 2015-11-03. Review status: criteria provided, single submitter. Criteria: EGL Classification Definitions. Collection method: clinical testing. Allele origin: germline. Observed: 1 variant allele, 1 heterozygote.